The following is an entry in ClinVar:

NM_017636.4(TRPM4):c.1551_1561del (p.Tyr519fs)

Gene: TRPM4 (transient receptor potential cation channel subfamily M member 4; plus strand). Cytogenetic location: 19q13.33.
Variant type: Deletion.
Coding change: c.1551_1561del on transcript NM_017636.4 (MANE Select); coding-DNA positions 1551 to 1561, 11 bases deleted (GAGGTACCCCT).
Protein change: p.Tyr519fs; shifts the reading frame from tyrosine 519.
Molecular consequence: frameshift variant. On other transcripts: splice donor variant (1).
Genome position (GRCh38, 1-based): chr19:49,182,865-49,182,875, GAGGTACCCCT deleted. VCF-style (leftmost placement, unchanged base first): chr19-49182864-CGAGGTACCCCT-C. GRCh37 (hg19) VCF-style: chr19-49686121-CGAGGTACCCCT-C.
Other names: c.1551_1561del, p.Tyr519fs (NM_001195227.2); c.1206_1216del, p.Tyr404fs (NM_001321281.2); c.1029_1039del, p.Tyr345fs (NM_001321283.2); c.489_499del, p.Tyr165fs (NM_001321285.2); c.-3_-1+8del (NM_001321282.2); short protein forms Y165fs, Y404fs, Y519fs, Y345fs.
Identifiers: ClinVar variation 2737179 (VCV002737179.3), dbSNP rs2514116914, ClinGen allele CA2697556651.

ClinVar aggregate classification (germline): Uncertain significance (1 of 4 stars; one submission).

Conditions:
Progressive familial heart block type IB (PFHB1B). Identifiers: Orphanet 871, MedGen C1970298, MONDO:0011474, OMIM 604559.

Submission:

Labcorp Genetics (formerly Invitae), Labcorp
Classification: Uncertain significance for Progressive familial heart block type IB. Last evaluated: 2023-07-07. Review status: criteria provided, single submitter. Criteria: Invitae Variant Classification Sherloc (09022015). Collection method: clinical testing. Allele origin: germline.
Comment: This sequence change creates a premature translational stop signal (p.Tyr519Glyfs*83) in the TRPM4 gene. It is expected to result in an absent or disrupted protein product. However, the current clinical and genetic evidence is not sufficient to establish whether loss-of-function variants in TRPM4 cause disease. This variant is not present in population databases (gnomAD no frequency). This variant has not been reported in the literature in individuals affected with TRPM4-related conditions. Algorithms developed to predict the effect of sequence changes on RNA splicing suggest that this variant may disrupt the consensus splice site. In summary, the available evidence is currently insufficient to determine the role of this variant in disease. Therefore, it has been classified as a Variant of Uncertain Significance.